The following is an entry in ClinVar:

ClinVar aggregate classification (germline): Benign (1 of 4 stars; one submission).

Conditions:
Colorectal cancer, susceptibility to, 1. Also called: COLORECTAL ADENOMA AND CANCER, SUSCEPTIBILITY TO; COLORECTAL CANCER, SUSCEPTIBILITY TO, ON CHROMOSOME 9. Identifiers: MedGen C1837315, MONDO:0012132, OMIM 608812.

gnomAD v4.1: 1 of 1,614,208 alleles (0.000062%); highest among the groups gnomAD compares: Admixed American, 0.0017%; no homozygotes.

Submission:

Myriad Genetics, Inc.
Classification: Benign for Colorectal cancer, susceptibility to, 1. Last evaluated: 2026-04-27. Review status: criteria provided, single submitter. Criteria: Myriad Autosomal Dominant, Autosomal Recessive and X-Linked Classification Criteria (2023). Collection method: clinical testing. Allele origin: unknown.
Comment: This variant is considered benign. This variant is a silent/synonymous amino acid change and it is not expected to impact splicing.

NM_024642.5(GALNT12):c.1122C>T (p.Asn374=)

Gene: GALNT12 (polypeptide N-acetylgalactosaminyltransferase 12; plus strand). Cytogenetic location: 9q22.33.
Variant type: single nucleotide variant.
Coding change: c.1122C>T on transcript NM_024642.5 (MANE Select); coding-DNA position 1122, C replaced by T.
Protein change: p.Asn374=; no amino-acid change (asparagine 374 retained).
Molecular consequence: synonymous variant.
Genome position (GRCh38, 1-based): chr9:98,837,058, C>T. VCF-style: chr9-98837058-C-T. GRCh37 (hg19) VCF-style: chr9-101599340-C-T.
Identifiers: ClinVar variation 4875780 (VCV004875780.1).